The following is an entry in ClinVar:

NM_002016.2(FLG):c.4720_4721del (p.Ser1574fs)

Genes: CCDST (cervical cancer associated DHX9 suppressive transcript; plus strand), FLG (filaggrin; minus strand). Cytogenetic location: 1q21.3.
Variant type: Deletion.
Coding change: c.4720_4721del on transcript NM_002016.2 (MANE Select); coding-DNA positions 4720 to 4721, 2 bases deleted (TC; older notation c.4720_4721delTC).
Protein change: p.Ser1574fs; shifts the reading frame from serine 1574.
Molecular consequence: frameshift variant.
Genome position (GRCh38, 1-based): chr1:152,310,165-152,310,166, GA deleted on the plus strand (TC on the coding strand, the reverse complement: FLG is on the minus strand); deleting any 2 consecutive bases within chr1:152,310,165-152,310,167 gives the same sequence; the c. name uses the placement nearest the transcript's 3' end. VCF-style (leftmost placement, unchanged base first): chr1-152310164-TGA-T. GRCh37 (hg19) VCF-style: chr1-152282640-TGA-T.
Other names: c.4719_4720delCT, p.Ser1574Thrfs (NM_002016.1); short protein forms S1574fs.
Identifiers: ClinVar variation 4056844 (VCV004056844.1).

ClinVar aggregate classification (germline): Pathogenic (1 of 4 stars; one submission).

Submission:

GeneDx
Classification: Pathogenic. Last evaluated: 2025-01-11. Review status: criteria provided, single submitter. Criteria: GeneDx Variant Classification Process June 2021. Collection method: clinical testing. Allele origin: germline. Affected: yes.
Comment: Loss-of-function variants are associated with ichthyosis vulgaris and atopic dermatitis; this variant has been published previously in association with FLG-related disorders (PMID: 16444271, 32018027); Frameshift variant predicted to result in abnormal protein length as the last 2488 amino acid(s) are replaced with 20 different amino acid(s), and other similar variants have been reported in HGMD; Not observed at significant frequency in large population cohorts (gnomAD); This variant is associated with the following publications: (PMID: 16444271, 32018027)